The following is an entry in ClinVar:

ClinVar aggregate classification (germline): Uncertain significance (1 of 4 stars; one submission).

Conditions:
Predisposition to invasive fungal disease due to CARD9 deficiency (IMD103). Also called: IMMUNODEFICIENCY 103, SUSCEPTIBILITY TO FUNGAL INFECTIONS; Candidiasis, familial, 2, autosomal recessive; CARD9 IMMUNODEFICIENCY. Identifiers: Orphanet 457088, MedGen C1859353, MONDO:0008905, OMIM 212050.

Allele frequency attached by ClinVar (database versions not stated): gnomAD 0.00001; gnomAD exomes 0.00002; TOPMed 0.00002; ExAC 0.00004.

Submission:

Labcorp Genetics (formerly Invitae), Labcorp
Classification: Uncertain significance for Predisposition to invasive fungal disease due to CARD9 deficiency. Last evaluated: 2021-12-19. Review status: criteria provided, single submitter. Criteria: Invitae Variant Classification Sherloc (09022015). Collection method: clinical testing. Allele origin: germline.
Comment: This sequence change replaces alanine, which is neutral and non-polar, with threonine, which is neutral and polar, at codon 354 of the CARD9 protein (p.Ala354Thr). The frequency data for this variant in the population databases is considered unreliable, as metrics indicate poor data quality at this position in the gnomAD database. This variant has not been reported in the literature in individuals affected with CARD9-related conditions. ClinVar contains an entry for this variant (Variation ID: 853548). Algorithms developed to predict the effect of missense changes on protein structure and function (SIFT, PolyPhen-2, Align-GVGD) all suggest that this variant is likely to be tolerated. In summary, the available evidence is currently insufficient to determine the role of this variant in disease. Therefore, it has been classified as a Variant of Uncertain Significance.

NM_052813.5(CARD9):c.1060G>A (p.Ala354Thr)

Gene: CARD9 (caspase recruitment domain family member 9; minus strand). Cytogenetic location: 9q34.3.
Variant type: single nucleotide variant.
Coding change: c.1060G>A on transcript NM_052813.5 (MANE Select); coding-DNA position 1060, G replaced by A.
Protein change: p.Ala354Thr; replaces alanine 354 with threonine.
Molecular consequence: missense variant.
Genome position (GRCh38, 1-based): chr9:136,369,767, C>T on the plus strand (G>A on the coding strand, the complement: CARD9 is on the minus strand). VCF-style: chr9-136369767-C-T. GRCh37 (hg19) VCF-style: chr9-139264219-C-T.
Other names: c.1060G>A, p.Ala354Thr (NM_052814.4); short protein forms A354T.
Identifiers: ClinVar variation 853548 (VCV000853548.7), dbSNP rs766983144, ClinGen allele CA5332872.